The following is an entry in ClinVar:

ClinVar aggregate classification (germline): Likely benign (0 of 4 stars; one submission).

Conditions:
SH2B1-related disorder. Also called: SH2B1-related condition.

Submission:

PreventionGenetics, part of Exact Sciences
Classification: Likely benign for SH2B1-related condition. Last evaluated: 2021-12-06. Review status: no assertion criteria provided. Collection method: clinical testing. Allele origin: germline.
Comment: This variant is classified as likely benign based on ACMG/AMP sequence variant interpretation guidelines (Richards et al. 2015 PMID: 25741868, with internal and published modifications).

NM_001387430.1(SH2B1):c.1310-5dup

Gene: SH2B1 (SH2B adaptor protein 1; plus strand). Cytogenetic location: 16p11.2.
Variant type: Duplication.
Coding change: c.1310-5dup on transcript NM_001387430.1 (MANE Select); 5 bases into the intron before coding-DNA position 1310, one base duplicated (T; older notation c.1310-5dupT).
Molecular consequence: intron variant.
Genome position (GRCh38, 1-based): chr16:28,871,775, T duplicated; the last of 9 consecutive T bases (chr16:28,871,767-28,871,775); duplicating any one gives the same sequence. VCF-style (leftmost placement, unchanged base first): chr16-28871766-C-CT. GRCh37 (hg19) VCF-style: chr16-28883087-C-CT.
Other names: c.1310-5dup (NM_001308293.2, NM_001387404.1, NM_015503.3 and 4 more transcripts); c.302-5dup (NM_001308294.2).
Identifiers: ClinVar variation 3039655 (VCV003039655.2), dbSNP rs370735455, ClinGen allele CA7986170.